The following is an entry in ClinVar:

NM_001999.4(FBN2):c.2536G>A (p.Glu846Lys)

Gene: FBN2 (fibrillin 2; minus strand). Cytogenetic location: 5q23.3.
Variant type: single nucleotide variant.
Coding change: c.2536G>A on transcript NM_001999.4 (MANE Select); coding-DNA position 2536, G replaced by A.
Protein change: p.Glu846Lys; replaces glutamic acid 846 with lysine.
Molecular consequence: missense variant.
Genome position (GRCh38, 1-based): chr5:128,361,741, C>T on the plus strand (G>A on the coding strand, the complement: FBN2 is on the minus strand). VCF-style: chr5-128361741-C-T. GRCh37 (hg19) VCF-style: chr5-127697434-C-T.
Other names: short protein forms E846K.
Identifiers: ClinVar variation 213392 (VCV000213392.30), dbSNP rs375666281, ClinGen allele CA321237.

ClinVar aggregate classification (germline): Conflicting classifications of pathogenicity. Review status: criteria provided, conflicting classifications (1 of 4 stars). 8 submissions from 8 submitters: Uncertain significance (5); Likely benign (3). Last evaluated 2025-12-03.

Conditions:
Macular degeneration, early-onset (EOMD). Identifiers: MedGen C4015286, MONDO:0014501, OMIM 616118.
Congenital contractural arachnodactyly (CCA). Also called: BEALS SYNDROME; Beals-Hecht syndrome; Arthrogryposis, distal, type 9. Identifiers: Orphanet 115, MedGen C0220668, MONDO:0007363, OMIM 121050.
Familial thoracic aortic aneurysm and aortic dissection (TAAD). Also called: Thoracic aortic aneurysms and dissections. Identifiers: Orphanet 91387, MedGen C4707243, MONDO:0019625.

Allele frequency attached by ClinVar (database versions not stated): gnomAD 0.00014 and 0.00015; gnomAD exomes 0.00014; ExAC 0.00015; TOPMed 0.00017; ESP Exome Variant Server 0.00023.
gnomAD v4.1: 339 of 1,614,050 alleles (0.021%); highest among the groups gnomAD compares: Non-Finnish European, 0.028%; no homozygotes.

Submissions (8):

Labcorp Genetics (formerly Invitae), Labcorp
Classification: Likely benign for Congenital contractural arachnodactyly. Last evaluated: 2025-12-03. Review status: criteria provided, single submitter. Criteria: Invitae Variant Classification Sherloc (09022015). Collection method: clinical testing. Allele origin: germline.

Women's Health and Genetics/Laboratory Corporation of America, LabCorp
Classification: Uncertain significance. Last evaluated: 2025-06-23. Review status: criteria provided, single submitter. Criteria: LabCorp Variant Classification Summary - May 2015. Collection method: clinical testing. Allele origin: germline.
Comment: Variant summary: FBN2 c.2536G>A (p.Glu846Lys) results in a conservative amino acid change in the encoded protein sequence. Algorithms developed to predict the effect of missense changes on protein structure and function are either unavailable or do not agree on the potential impact of this missense change. The variant allele was found at a frequency of 0.00014 in 251432 control chromosomes. This frequency is not significantly higher than estimated for a pathogenic variant in FBN2 causing Nonsyndromic Heritable Thoracic Aortic Aneurysms And Dissections, allowing no conclusion about variant significance. c.2536G>A has been observed in an individual in whom there was suspicion of a connective tissue disorder; however this variant was not thought to be responsible for their clinical phenotype (example: Caylor_2018). The variant was also identified in at least 1 individual clinically diagnosed with classical Ehlers-Danlos syndrome (example: Vandersteen_2024). These report(s) do not provide unequivocal conclusions about association of the variant with Nonsyndromic Heritable Thoracic Aortic Aneurysms And Dissections. To our knowledge, no experimental evidence demonstrating an impact on protein function has been reported. The following publications have been ascertained in the context of this evaluation (PMID: 29926239, 37813462). ClinVar contains an entry for this variant (Variation ID: 213392). Based on the evidence outlined above, the variant was classified as uncertain significance.

GeneDx
Classification: Uncertain significance. Last evaluated: 2025-05-21. Review status: criteria provided, single submitter. Criteria: GeneDx Variant Classification Process June 2021. Collection method: clinical testing. Allele origin: germline. Affected: yes.
Comment: Identified in a patient with features of Marfan syndrome who was incidentally diagnosed with subclinical tuberous sclerosis complex when a maternally inherited TSC1 variant was identified through whole exome sequencing (PMID: 29926239); Although located in a calcium-binding EGF-like domain of the FBN2 gene, it does not substitute or introduce a cysteine residue (PMID: 19006240, 18767143); In silico analysis suggests that this missense variant does not alter protein structure/function; This variant is associated with the following publications: (PMID: 19006240, 18767143, 29926239)

Ambry Genetics
Classification: Uncertain significance for Familial thoracic aortic aneurysm and aortic dissection. Last evaluated: 2025-03-18. Review status: criteria provided, single submitter. Criteria: Ambry Variant Classification Scheme 2023. Collection method: clinical testing. Allele origin: germline.
Comment: The p.E846K variant (also known as c.2536G>A), located in coding exon 19 of the FBN2 gene, results from a G to A substitution at nucleotide position 2536. The glutamic acid at codon 846 is replaced by lysine, an amino acid with similar properties. This alteration was reported in a patient with suspicion of Marfan syndrome (Caylor RC et al. Neurogenetics, 2018 Aug;19(3):205-213). This amino acid position is not well conserved in available vertebrate species. In addition, the in silico prediction for this alteration is inconclusive. Since supporting evidence is limited at this time, the clinical significance of this alteration remains unclear.

Blueprint Genetics
Classification: Likely benign. Last evaluated: 2024-10-22. Review status: criteria provided, single submitter. Criteria: ACMG Guidelines, 2015. Collection method: clinical testing. Allele origin: germline.

Revvity Omics, Revvity
Classification: Uncertain significance. Last evaluated: 2020-05-29. Review status: criteria provided, single submitter. Criteria: ACMG Guidelines, 2015. Collection method: clinical testing. Allele origin: germline.

Illumina Laboratory Services, Illumina
Classification: Likely benign for Congenital contractural arachnodactyly. Last evaluated: 2018-01-12. Review status: criteria provided, single submitter. Criteria: ICSL Variant Classification Criteria 13 December 2019. Collection method: clinical testing. Allele origin: germline.
Comment: This variant was observed in the ICSL laboratory as part of a predisposition screen in an ostensibly healthy population. It had not been previously curated by ICSL or reported in the Human Gene Mutation Database (HGMD: prior to June 1st, 2018), and was therefore a candidate for classification through an automated scoring system. Utilizing variant allele frequency, disease prevalence and penetrance estimates, and inheritance mode, an automated score was calculated to assess if this variant is too frequent to cause the disease. Based on the score and internal cut-off values, a variant classified as likely benign is not then subjected to further curation. The score for this variant resulted in a classification of likely benign for this disease.

Center for Genomics, Ann and Robert H. Lurie Children's Hospital of Chicago
Classification: Uncertain significance for Macular degeneration, early-onset; Congenital contractural arachnodactyly. Review status: criteria provided, single submitter. Criteria: ACMG Guidelines, 2015. Collection method: clinical testing. Allele origin: germline.
Comment: FBN2 NM_001999.3 exon 19 p.Glu846Lys (c.2536G>A): This variant has not been reported in the literature but is present in 0.02% (37/129150) of European alleles in the Genome Aggregation Database. This variant is present in ClinVar (Variation ID:213392). Evolutionary conservation and computational predictive tools for this variant are unclear. In summary, data on this variant is insufficient for disease classification. Therefore, the clinical significance of this variant is uncertain.

Literature cited by the submitters: PubMed 29926239 (cited by Women's Health and Genetics/Laboratory Corporation of America, LabCorp and Ambry Genetics); PubMed 37813462 (cited by Women's Health and Genetics/Laboratory Corporation of America, LabCorp).